The following is an entry in ClinVar:

NM_001042492.3(NF1):c.3185A>T (p.Lys1062Ile)

Gene: NF1 (neurofibromin 1; plus strand). Cytogenetic location: 17q11.2.
Variant type: single nucleotide variant.
Coding change: c.3185A>T on transcript NM_001042492.3 (MANE Select); coding-DNA position 3185, A replaced by T.
Protein change: p.Lys1062Ile; replaces lysine 1062 with isoleucine.
Molecular consequence: missense variant.
Genome position (GRCh38, 1-based): chr17:31,230,913, A>T. VCF-style: chr17-31230913-A-T. GRCh37 (hg19) VCF-style: chr17-29557931-A-T.
Other names: c.3185A>T, p.Lys1062Ile (NM_000267.4); short protein forms K1062I.
Identifiers: ClinVar variation 480112 (VCV000480112.11), dbSNP rs1314168961, ClinGen allele CA398988260.

ClinVar aggregate classification (germline): Uncertain significance. Review status: criteria provided, multiple submitters, no conflicts (2 of 4 stars). 3 submissions from 3 submitters: Uncertain significance (3). Last evaluated 2024-06-28.

Conditions:
Cardiovascular phenotype. Identifiers: MedGen CN230736.
Hereditary cancer-predisposing syndrome. Also called: Hereditary neoplastic syndrome; Neoplastic Syndromes, Hereditary; Tumor predisposition; Hereditary Cancer Syndrome. Identifiers: Orphanet 140162, MedGen C0027672, MeSH D009386, MONDO:0015356.
Neurofibromatosis, type 1 (NF1). Also called: VON RECKLINGHAUSEN DISEASE; Peripheral type neurofibromatosis; NEUROFIBROMATOSIS, TYPE I, SOMATIC; Neurofibromatosis, type I. Identifiers: Orphanet 636, MedGen C0027831, MONDO:0018975, OMIM 162200. Disease mechanism: loss of function.

Allele frequency attached by ClinVar (database versions not stated): TOPMed 0.00001.

Submissions (3):

Labcorp Genetics (formerly Invitae), Labcorp
Classification: Uncertain significance for Neurofibromatosis, type 1. Last evaluated: 2024-06-28. Review status: criteria provided, single submitter. Criteria: Invitae Variant Classification Sherloc (09022015). Collection method: clinical testing. Allele origin: germline.
Comment: This sequence change replaces lysine, which is basic and polar, with isoleucine, which is neutral and non-polar, at codon 1062 of the NF1 protein (p.Lys1062Ile). This variant is not present in population databases (gnomAD no frequency). This variant has not been reported in the literature in individuals affected with NF1-related conditions. ClinVar contains an entry for this variant (Variation ID: 480112). Advanced modeling of protein sequence and biophysical properties (such as structural, functional, and spatial information, amino acid conservation, physicochemical variation, residue mobility, and thermodynamic stability) has been performed at Invitae for this missense variant, however the output from this modeling did not meet the statistical confidence thresholds required to predict the impact of this variant on NF1 protein function. In summary, the available evidence is currently insufficient to determine the role of this variant in disease. Therefore, it has been classified as a Variant of Uncertain Significance.

Genome-Nilou Lab
Classification: Uncertain significance for Neurofibromatosis, type 1. Last evaluated: 2022-03-15. Review status: criteria provided, single submitter. Criteria: ACMG Guidelines, 2015. Collection method: clinical testing. Allele origin: germline. Affected: no.

Ambry Genetics
Classification: Uncertain significance for Cardiovascular phenotype; Hereditary cancer-predisposing syndrome. Last evaluated: 2020-07-01. Review status: criteria provided, single submitter. Criteria: Ambry Variant Classification Scheme 2023. Collection method: clinical testing. Allele origin: germline.
Comment: The p.K1062I variant (also known as c.3185A>T), located in coding exon 24 of the NF1 gene, results from an A to T substitution at nucleotide position 3185. The lysine at codon 1062 is replaced by isoleucine, an amino acid with dissimilar properties. This amino acid position is highly conserved in available vertebrate species. In addition, the in silico prediction for this alteration is inconclusive. Since supporting evidence is limited at this time, the clinical significance of this alteration remains unclear.